The following is an entry in ClinVar:

ClinVar aggregate classification (germline): Uncertain significance (1 of 4 stars; one submission).

Submission:

GeneDx
Classification: Uncertain significance. Last evaluated: 2024-02-21. Review status: criteria provided, single submitter. Criteria: GeneDx Variant Classification Process June 2021. Collection method: clinical testing. Allele origin: germline. Affected: yes.
Comment: Not observed at significant frequency in large population cohorts (gnomAD); In silico analysis supports that this missense variant has a deleterious effect on protein structure/function; Has not been previously published as pathogenic or benign to our knowledge

NM_015015.3(KDM4B):c.524C>T (p.Pro175Leu)

Gene: KDM4B (lysine demethylase 4B; plus strand). Cytogenetic location: 19p13.3.
Variant type: single nucleotide variant.
Coding change: c.524C>T on transcript NM_015015.3 (MANE Select); coding-DNA position 524, C replaced by T.
Protein change: p.Pro175Leu; replaces proline 175 with leucine.
Molecular consequence: missense variant.
Genome position (GRCh38, 1-based): chr19:5,047,567, C>T. VCF-style: chr19-5047567-C-T. GRCh37 (hg19) VCF-style: chr19-5047578-C-T.
Other names: c.524C>T, p.Pro175Leu (NM_001370093.1, NM_001370094.1, NM_001411148.1); short protein forms P175L.
Identifiers: ClinVar variation 3369607 (VCV003369607.1).